The following is an entry in ClinVar:

ClinVar aggregate classification (germline): Uncertain significance (1 of 4 stars; one submission).

Conditions:
Meckel syndrome, type 11 (MKS11). Identifiers: Orphanet 564, MedGen C3809352, MONDO:0014164, OMIM 615397.
Joubert syndrome 20 (JBTS20). Identifiers: Orphanet 475, MedGen C3554235, MONDO:0013994, OMIM 614970.

Allele frequency attached by ClinVar (database versions not stated): TOPMed below 0.00001.

Submission:

Labcorp Genetics (formerly Invitae), Labcorp
Classification: Uncertain significance for Joubert syndrome 20; Meckel syndrome, type 11. Last evaluated: 2024-12-02. Review status: criteria provided, single submitter. Criteria: Invitae Variant Classification Sherloc (09022015). Collection method: clinical testing. Allele origin: germline.
Comment: This sequence change replaces alanine, which is neutral and non-polar, with glutamic acid, which is acidic and polar, at codon 292 of the TMEM231 protein (p.Ala292Glu). This variant is not present in population databases (gnomAD no frequency). This variant has not been reported in the literature in individuals affected with TMEM231-related conditions. ClinVar contains an entry for this variant (Variation ID: 2201337). Experimental studies and prediction algorithms are not available or were not evaluated, and the functional significance of this variant is currently unknown. In summary, the available evidence is currently insufficient to determine the role of this variant in disease. Therefore, it has been classified as a Variant of Uncertain Significance.

NM_001077418.3(TMEM231):c.716C>A (p.Ala239Glu)

Gene: TMEM231 (transmembrane protein 231; minus strand). Cytogenetic location: 16q23.1.
Variant type: single nucleotide variant.
Coding change: c.716C>A on transcript NM_001077418.3 (MANE Select); coding-DNA position 716, C replaced by A.
Protein change: p.Ala239Glu; replaces alanine 239 with glutamic acid.
Molecular consequence: missense variant. On other transcripts: non-coding transcript variant (1).
Genome position (GRCh38, 1-based): chr16:75,541,404, G>T on the plus strand (C>A on the coding strand, the complement: TMEM231 is on the minus strand). VCF-style: chr16-75541404-G-T. GRCh37 (hg19) VCF-style: chr16-75575302-G-T.
Other names: c.875C>A, p.Ala292Glu (NM_001077416.2); short protein forms A239E, A292E.
Identifiers: ClinVar variation 2201337 (VCV002201337.4), dbSNP rs2080627109, ClinGen allele CA396804374.
Genomic context (GRCh38, chr16:75,541,404, plus strand): 5'-GGATATGAAATGACTTCCACAGGGTATCGGATGATAGCATTAATCACAAATGGAGCATCT[G>T]CGGCCCTGCCCACCAGCCAGATGGGGTTGGGATCATTCAGGACGGTGGTAACTGCAATGC-3'
Protein context (NP_001070886.1, residues 229-249): PNPIWLVGRA[Ala239Glu]DAPFVINAII